The following is an entry in ClinVar:

NM_000268.4(NF2):c.1019_1022del (p.Ala340fs)

Gene: NF2 (NF2, moesin-ezrin-radixin like (MERLIN) tumor suppressor; plus strand). Cytogenetic location: 22q12.2.
Variant type: Microsatellite.
Coding change: c.1019_1022del on transcript NM_000268.4 (MANE Select); coding-DNA positions 1019 to 1022, 4 bases deleted (CTCG; older notation c.1019_1022delCTCG).
Protein change: p.Ala340fs; shifts the reading frame from alanine 340.
Molecular consequence: frameshift variant. On other transcripts: intron variant (1).
Genome position (GRCh38, 1-based): chr22:29,671,845-29,671,848, CTCG deleted; deleting any 4 consecutive bases within chr22:29,671,841-29,671,848 gives the same sequence; the c. name uses the placement nearest the transcript's 3' end. VCF-style (leftmost placement, unchanged base first): chr22-29671840-CCTCG-C. GRCh37 (hg19) VCF-style: chr22-30067829-CCTCG-C.
Other names: c.905_908del, p.Ala302fs (NM_001407053.1, NM_001407056.1); c.896_899del, p.Ala299fs (NM_001407054.1, NM_001407058.1, NM_181829.3); c.893_896del, p.Ala298fs (NM_001407055.1, NM_181828.3); c.884_887del, p.Ala295fs (NM_001407057.1, NM_001407059.1); c.1019_1022del, p.Ala340fs (NM_001407060.1, NM_001407066.1, NM_016418.5 and 2 more transcripts); c.761_764del, p.Ala254fs (NM_001407062.1); c.770_773del, p.Ala257fs (NM_001407063.1, NM_001407064.1, NM_181830.3 and 1 more transcripts); c.485_488del, p.Ala162fs (NM_001407065.1); and 2 more; short protein forms A162fs, A257fs, A295fs, A298fs, A340fs, A302fs, A254fs, A263fs.
Identifiers: ClinVar variation 2699154 (VCV002699154.3), dbSNP rs2518664988, ClinGen allele CA2697552670.

ClinVar aggregate classification (germline): Pathogenic (1 of 4 stars; one submission).

Conditions:
Neurofibromatosis, type 2 (SWNV). Also called: BILATERAL ACOUSTIC NEUROFIBROMATOSIS; SCHWANNOMATOSIS, VESTIBULAR; NF2-Related Schwannomatosis. Identifiers: Orphanet 637, MedGen C0027832, MONDO:0007039, OMIM 101000. Disease mechanism: loss of function.

Submission:

Labcorp Genetics (formerly Invitae), Labcorp
Classification: Pathogenic for Neurofibromatosis, type 2. Last evaluated: 2023-06-29. Review status: criteria provided, single submitter. Criteria: Invitae Variant Classification Sherloc (09022015). Collection method: clinical testing. Allele origin: germline.
Comment: This sequence change creates a premature translational stop signal (p.Ala340Glufs*5) in the NF2 gene. It is expected to result in an absent or disrupted protein product. Loss-of-function variants in NF2 are known to be pathogenic (PMID: 9643284, 16983642). This variant is not present in population databases (gnomAD no frequency). This variant has not been reported in the literature in individuals affected with NF2-related conditions. For these reasons, this variant has been classified as Pathogenic.

Literature cited by the submitters: PubMed 9643284; PubMed 16983642.